The following is an entry in ClinVar:

NM_019032.6(ADAMTSL4):c.2977C>T (p.Arg993Trp)

Gene: ADAMTSL4 (ADAMTS like 4; plus strand). Cytogenetic location: 1q21.2.
Variant type: single nucleotide variant.
Coding change: c.2977C>T on transcript NM_019032.6 (MANE Select); coding-DNA position 2977, C replaced by T.
Protein change: p.Arg993Trp; replaces arginine 993 with tryptophan.
Molecular consequence: missense variant.
Genome position (GRCh38, 1-based): chr1:150,559,794, C>T. VCF-style: chr1-150559794-C-T. GRCh37 (hg19) VCF-style: chr1-150532270-C-T.
Other names: c.2860C>T, p.Arg954Trp (NM_001288607.2); c.3046C>T, p.Arg1016Trp (NM_001288608.2); c.2977C>T, p.Arg993Trp (NM_001378596.1); c.2977C>T (NM_019032.4); short protein forms R1016W, R954W, R993W.
Identifiers: ClinVar variation 1723643 (VCV001723643.10), dbSNP rs202246511, ClinGen allele CA1078915.

ClinVar aggregate classification (germline): Conflicting classifications of pathogenicity. Review status: criteria provided, conflicting classifications (1 of 4 stars). 7 submissions from 6 submitters: Pathogenic (1); Uncertain significance (6). Last evaluated 2025-08-09.

Conditions:
ADAMTSL4-related disorder. Also called: ADAMTSL4-related condition; ADAMTSL4-Related Disorders.
Ectopia lentis et pupillae. Also called: ECTOPIA LENTIS WITH ECTOPIA OF PUPIL. Identifiers: Orphanet 1885, MedGen C1644196, MONDO:0009153, OMIM 225200.
Inborn genetic diseases. Identifiers: MedGen C0950123, MeSH D030342.
Ectopia lentis 2, isolated, autosomal recessive (ECTOL2). Identifiers: Orphanet 1885, MedGen C3541474, MONDO:0009152, OMIM 225100.

Allele frequency attached by ClinVar (database versions not stated): gnomAD exomes 0.00005; ExAC 0.00007; gnomAD 0.00012; TOPMed 0.00012; ESP Exome Variant Server 0.00031.
gnomAD v4.1: 89 of 1,613,862 alleles (0.0055%); highest among the groups gnomAD compares: Middle Eastern, 0.082%; no homozygotes.

Submissions (7):

Ambry Genetics
Classification: Uncertain significance for Inborn genetic diseases. Last evaluated: 2025-08-09. Review status: criteria provided, single submitter. Criteria: Ambry Variant Classification Scheme 2023. Collection method: clinical testing. Allele origin: germline.

Dasa
Classification: Uncertain significance. Last evaluated: 2024-10-23. Review status: criteria provided, single submitter. Criteria: DASA Assertion Criteria. Collection method: clinical testing. Allele origin: germline.
Comment: NM_019032.6(ADAMTSL4):c.2977C>T (p.Arg993Trp) is a missense variant that results in the substitution of arginine with tryptophan. This variant is rare in population databases. Computational prediction algorithms are consistent with a deleterious effect. The currently available literature and clinical evidence are not sufficient to establish a definitive association between this variant and the reported condition. Therefore, this variant is classified as a variant of uncertain significance.

Blueprint Genetics
Classification: Pathogenic for ADAMTSL4-related disorders. Last evaluated: 2024-08-14. Review status: criteria provided, single submitter. Criteria: ACMG Guidelines, 2015. Collection method: clinical testing. Allele origin: germline. Affected: yes. Observed: 5 variant alleles.

Genome-Nilou Lab
Classification: Uncertain significance for Ectopia lentis et pupillae. Last evaluated: 2023-04-11. Review status: criteria provided, single submitter. Criteria: ACMG Guidelines, 2015. Collection method: clinical testing. Allele origin: germline. Affected: no.

Genome-Nilou Lab
Classification: Uncertain significance for Ectopia lentis 2, isolated, autosomal recessive. Last evaluated: 2023-04-11. Review status: criteria provided, single submitter. Criteria: ACMG Guidelines, 2015. Collection method: clinical testing. Allele origin: germline. Affected: no.

GeneDx
Classification: Uncertain significance. Last evaluated: 2022-05-09. Review status: criteria provided, single submitter. Criteria: GeneDx Variant Classification Process June 2021. Collection method: clinical testing. Allele origin: germline. Affected: yes.
Comment: In silico analysis supports that this missense variant has a deleterious effect on protein structure/function; This variant is associated with the following publications: (PMID: Sanchez_2012_Abstract)

Labcorp Genetics (formerly Invitae), Labcorp
Classification: Uncertain significance. Last evaluated: 2022-04-28. Review status: criteria provided, single submitter. Criteria: Invitae Variant Classification Sherloc (09022015). Collection method: clinical testing. Allele origin: germline.
Comment: This sequence change replaces arginine, which is basic and polar, with tryptophan, which is neutral and slightly polar, at codon 993 of the ADAMTSL4 protein (p.Arg993Trp). This variant is present in population databases (rs202246511, gnomAD 0.1%). This variant has not been reported in the literature in individuals affected with ADAMTSL4-related conditions. Algorithms developed to predict the effect of missense changes on protein structure and function (SIFT, PolyPhen-2, Align-GVGD) all suggest that this variant is likely to be disruptive. In summary, the available evidence is currently insufficient to determine the role of this variant in disease. Therefore, it has been classified as a Variant of Uncertain Significance.